The following is an entry in ClinVar:

NM_144670.6(A2ML1):c.4070G>A (p.Gly1357Glu)

Gene: A2ML1 (alpha-2-macroglobulin like 1; plus strand). Cytogenetic location: 12p13.31.
Variant type: single nucleotide variant.
Coding change: c.4070G>A on transcript NM_144670.6 (MANE Select); coding-DNA position 4070, G replaced by A.
Protein change: p.Gly1357Glu; replaces glycine 1357 with glutamic acid.
Molecular consequence: missense variant.
Genome position (GRCh38, 1-based): chr12:8,868,545, G>A. VCF-style: chr12-8868545-G-A. GRCh37 (hg19) VCF-style: chr12-9021141-G-A.
Other names: c.2597G>A, p.Gly866Glu (NM_001282424.3); short protein forms G866E, G1357E.
Identifiers: ClinVar variation 1374636 (VCV001374636.8), dbSNP rs771609901, ClinGen allele CA6436586.

ClinVar aggregate classification (germline): Uncertain significance (1 of 4 stars; one submission).

Allele frequency attached by ClinVar (database versions not stated): ExAC 0.00001; gnomAD 0.00001; gnomAD exomes 0.00001; TOPMed 0.00002.
gnomAD v4.1: 4 of 1,613,770 alleles (0.00025%); highest among the groups gnomAD compares: African/African-American, 0.0027%; no homozygotes.

Submission:

Labcorp Genetics (formerly Invitae), Labcorp
Classification: Uncertain significance. Last evaluated: 2024-02-23. Review status: criteria provided, single submitter. Criteria: Invitae Variant Classification Sherloc (09022015). Collection method: clinical testing. Allele origin: germline.
Comment: This sequence change replaces glycine, which is neutral and non-polar, with glutamic acid, which is acidic and polar, at codon 1357 of the A2ML1 protein (p.Gly1357Glu). This variant is present in population databases (rs771609901, gnomAD 0.007%). This variant has not been reported in the literature in individuals affected with A2ML1-related conditions. ClinVar contains an entry for this variant (Variation ID: 1374636). An algorithm developed to predict the effect of missense changes on protein structure and function (PolyPhen-2) suggests that this variant is likely to be disruptive. In summary, the available evidence is currently insufficient to determine the role of this variant in disease. Therefore, it has been classified as a Variant of Uncertain Significance.